The following is an entry in ClinVar:

NM_001430.5(EPAS1):c.2012T>C (p.Val671Ala)

Gene: EPAS1 (endothelial PAS domain protein 1; plus strand). Cytogenetic location: 2p21.
Variant type: single nucleotide variant.
Coding change: c.2012T>C on transcript NM_001430.5 (MANE Select); coding-DNA position 2012, T replaced by C.
Protein change: p.Val671Ala; replaces valine 671 with alanine.
Molecular consequence: missense variant.
Genome position (GRCh38, 1-based): chr2:46,380,684, T>C. VCF-style: chr2-46380684-T-C. GRCh37 (hg19) VCF-style: chr2-46607823-T-C.
Other names: short protein forms V671A.
Identifiers: ClinVar variation 3508910 (VCV003508910.1).

ClinVar aggregate classification (germline): Uncertain significance (1 of 4 stars; one submission).

Conditions:
Inborn genetic diseases. Identifiers: MedGen C0950123, MeSH D030342.

gnomAD v4.1: 1 of 1,613,544 alleles (0.000062%); highest among the groups gnomAD compares: Non-Finnish European, 0.000085%; no homozygotes.

Submission:

Ambry Genetics
Classification: Uncertain significance for Inborn genetic diseases. Last evaluated: 2024-10-29. Review status: criteria provided, single submitter. Criteria: Ambry Variant Classification Scheme 2023. Collection method: clinical testing. Allele origin: germline.
Comment: The p.V671A variant (also known as c.2012T>C), located in coding exon 12 of the EPAS1 gene, results from a T to C substitution at nucleotide position 2012. The valine at codon 671 is replaced by alanine, an amino acid with similar properties. This amino acid position is conserved. In addition, this alteration is predicted to be tolerated by in silico analysis. Based on the available evidence, the clinical significance of this variant remains unclear.